The following is an entry in ClinVar:

ClinVar aggregate classification (germline): Uncertain significance. Review status: criteria provided, multiple submitters, no conflicts (2 of 4 stars). 2 submissions from 2 submitters: Uncertain significance (2). Last evaluated 2025-02-19.

gnomAD v4.1: 18 of 1,613,002 alleles (0.0011%); highest among the groups gnomAD compares: South Asian, 0.02%; no homozygotes.

Submissions (2):

Women's Health and Genetics/Laboratory Corporation of America, LabCorp
Classification: Uncertain significance. Last evaluated: 2025-02-19. Review status: criteria provided, single submitter. Criteria: LabCorp Variant Classification Summary - May 2015. Collection method: clinical testing. Allele origin: germline.
Comment: Variant summary: F7 c.487A>G (p.Ser163Gly) results in a non-conservative amino acid change in the encoded protein sequence. Four of five in-silico tools predict a benign effect of the variant on protein function. The variant allele was found at a frequency of 3.6e-05 in 249746 control chromosomes. c.487A>G has been reported in the literature in at-least one homozygous individual affected with Factor VII deficiency (example: Pruthi_2007). These data indicate that the variant may be associated with disease. To our knowledge, no experimental evidence demonstrating an impact on protein function has been reported. The following publication has been ascertained in the context of this evaluation (PMID: 17692102). No submitters have cited clinical-significance assessments for this variant to ClinVar. Based on the evidence outlined above, the variant was classified as VUS-possibly pathogenic.

Blueprint Genetics
Classification: Uncertain significance. Last evaluated: 2024-11-04. Review status: criteria provided, single submitter. Criteria: ACMG Guidelines, 2015. Collection method: clinical testing. Allele origin: germline.

Literature cited by the submitters: PubMed 17692102 (cited by Women's Health and Genetics/Laboratory Corporation of America, LabCorp).

NM_019616.4(F7):c.421A>G (p.Ser141Gly)

Gene: F7 (coagulation factor VII; plus strand). Cytogenetic location: 13q34.
Variant type: single nucleotide variant.
Coding change: c.421A>G on transcript NM_019616.4 (MANE Select); coding-DNA position 421, A replaced by G.
Protein change: p.Ser141Gly; replaces serine 141 with glycine.
Molecular consequence: missense variant. On other transcripts: non-coding transcript variant (1).
Genome position (GRCh38, 1-based): chr13:113,115,716, A>G. VCF-style: chr13-113115716-A-G. GRCh37 (hg19) VCF-style: chr13-113770030-A-G.
Other names: c.487A>G, p.Ser163Gly (NM_000131.5); c.235A>G, p.Ser79Gly (NM_001267554.2); short protein forms S141G, S163G, S79G.
Identifiers: ClinVar variation 3768942 (VCV003768942.2).
Genomic context (GRCh38, chr13:113,115,716, plus strand): 5'-CCAGACAAGGATGACCAGCTGATCTGTGTGAACGAGAACGGCGGCTGTGAGCAGTACTGC[A>G]GTGACCACACGGGCACCAAGCGCTCCTGTCGGTGCCACGAGGGGTACTCTCTGCTGGCAG-3'
Protein context (NP_062562.1, residues 131-151): NENGGCEQYC[Ser141Gly]DHTGTKRSCR